The following is an entry in ClinVar:

NC_000009.11:g.(?_108456805)_(108468035_108483817)del

Gene: TMEM38B (transmembrane protein 38B; plus strand). Cytogenetic location: 9q31.2.
Variant type: Deletion.
Identifiers: ClinVar variation 1723336 (VCV001723336.1).

ClinVar aggregate classification (germline): Pathogenic (1 of 4 stars; one submission).

Conditions:
Osteogenesis imperfecta (OI). Identifiers: Orphanet 666, MedGen C0029434, MeSH D010013, MONDO:0019019.

Submission:

Women's Health and Genetics/Laboratory Corporation of America, LabCorp
Classification: Pathogenic for Osteogenesis imperfecta. Last evaluated: 2022-10-18. Review status: criteria provided, single submitter. Criteria: LabCorp Variant Classification Summary - May 2015. Collection method: clinical testing. Allele origin: germline.
Comment: Variant summary: The variant identified by MLPA or other technology involves the deletion of exons 1-2 in the TMEM38B gene. A presumed nomenclature of c.(?_-137)_(269+1_270-1)del has been designated for the purposes of this classification. Although exact breakpoints of this copy number variant are not known, it is expected to result in a large deletion in the TMEM38B gene, including the initiation codon and is predicted to result either in absence of the protein or truncation of the encoded protein due to translation initiation at a downstream codon. An alternative downstream in-frame start codon (Met117) is located in the encoded protein. An activation of potential downstream translation initiation site would result in a shortened protein missing the first 116 amino acids from the protein sequence. The variant allele was found at a frequency of 4.6e-05 in 21694 control chromosomes (gnomAD, Structural Variants database). Deletion of exons 1-2 has been reported in the literature in multiple homozygous and compound heterozygous individuals affected with Osteogenesis Imperfecta (e.g. Rubinato_2014, Cabral_2016, Fernandes_2020). These data indicate that the variant is very likely to be associated with disease. At least one publication reports experimental evidence evaluating an impact on protein function. In this study, a total absence of TRIC-B protein was demonstrated in fibroblast and osteoblast lysates from a patient who was compound heterozygous for this variant and another loss-of-function variant, suggesting that both variants were non-functional (Cabral_2016). Three submitters have provided clinical-significance assessments for this variant to ClinVar after 2014. Two classified the variant as pathogenic and one classified it as VUS. Based on the evidence outlined above, the variant was classified as pathogenic.

Literature cited by the submitters: PubMed 27441836; PubMed 32123938; PubMed 24835313.